The following is an entry in ClinVar:

ClinVar aggregate classification (germline): Uncertain significance (1 of 4 stars; one submission).

Submission:

GeneDx
Classification: Uncertain significance. Last evaluated: 2024-06-17. Review status: criteria provided, single submitter. Criteria: GeneDx Variant Classification Process June 2021. Collection method: clinical testing. Allele origin: germline. Affected: yes.
Comment: Not observed at significant frequency in large population cohorts (gnomAD); In silico analysis indicates that this missense variant does not alter protein structure/function; Has not been previously published as pathogenic or benign to our knowledge

NM_001044.5(SLC6A3):c.46G>T (p.Ala16Ser)

Gene: SLC6A3 (solute carrier family 6 member 3). Cytogenetic location: 5p15.33.
Variant type: single nucleotide variant.
Coding change: c.46G>T on transcript NM_001044.5 (MANE Select); coding-DNA position 46, G replaced by T.
Protein change: p.Ala16Ser; replaces alanine 16 with serine.
Molecular consequence: missense variant.
Genome position (GRCh38, 1-based): chr5:1,443,152, C>A on the plus strand (G>T on the coding strand, the complement: SLC6A3 is on the minus strand). VCF-style: chr5-1443152-C-A. GRCh37 (hg19) VCF-style: chr5-1443267-C-A.
Other names: short protein forms A16S.
Identifiers: ClinVar variation 3391606 (VCV003391606.1).